The following is an entry in ClinVar:

NM_002693.3(POLG):c.3630C>G (p.Tyr1210Ter)

Gene: POLG (DNA polymerase gamma, catalytic subunit; minus strand). Cytogenetic location: 15q26.1.
Variant type: single nucleotide variant.
Coding change: c.3630C>G on transcript NM_002693.3 (MANE Select); coding-DNA position 3630, C replaced by G.
Protein change: p.Tyr1210Ter; replaces tyrosine 1210 with a stop codon.
Molecular consequence: nonsense.
Genome position (GRCh38, 1-based): chr15:89,317,389, G>C on the plus strand (C>G on the coding strand, the complement: POLG is on the minus strand). VCF-style: chr15-89317389-G-C. GRCh37 (hg19) VCF-style: chr15-89860620-G-C.
Other names: c.3630C>G, p.Tyr1210Ter (NM_001126131.2); short protein forms Y1210*.
Identifiers: ClinVar variation 1357431 (VCV001357431.11), dbSNP rs139562274, ClinGen allele CA316790.

ClinVar aggregate classification (germline): Pathogenic/Likely pathogenic. Review status: criteria provided, multiple submitters, no conflicts (2 of 4 stars). 3 submissions from 3 submitters: Pathogenic (2); Likely pathogenic (1). Last evaluated 2026-08-11.

Conditions:
Progressive sclerosing poliodystrophy (MTDPS4A). Also called: Alpers Syndrome; ALPERS DIFFUSE DEGENERATION OF CEREBRAL GRAY MATTER WITH HEPATIC CIRRHOSIS; Alpers-Huttenlocher Syndrome; Alpers-Huttenlocher Syndrome (AHS); Mitochondrial DNA depletion syndrome 4A (Alpers type); Mitochondrial DNA Depletion Syndrome 4A. Identifiers: Orphanet 726, MedGen C0205710, MONDO:0008758, OMIM 203700.
POLG-related disorder. Also called: POLG-Related Spectrum Disorders; POLG-related condition; POLG-Related Disorders. Identifiers: MedGen C4763519.

Submissions (3):

Myriad Genetics, Inc.
Classification: Likely pathogenic for POLG-related disorder. Last evaluated: 2026-08-11. Review status: criteria provided, single submitter. Criteria: Myriad Autosomal Dominant, Autosomal Recessive and X-Linked Classification Criteria (2023). Collection method: clinical testing. Allele origin: unknown.
Comment: NM_002693.2(POLG):c.3630C>G(Y1210*) is a nonsense variant classified as pathogenic in the context of POLG-related disorders. Y1210* has been observed in a case with relevant disease (PMID: 30509056). Relevant functional assessments of this variant are not available in the literature. Y1210* has not been observed in referenced population frequency databases. In summary, NM_002693.2(POLG):c.3630C>G(Y1210*) is a nonsense variant in a gene where loss of function is a known mechanism of disease, is predicted to disrupt protein function, and has been observed more frequently in cases with the relevant disease than in healthy populations. Please note: this variant was assessed in the context of healthy population screening.

Labcorp Genetics (formerly Invitae), Labcorp
Classification: Pathogenic for Progressive sclerosing poliodystrophy. Last evaluated: 2024-06-21. Review status: criteria provided, single submitter. Criteria: Invitae Variant Classification Sherloc (09022015). Collection method: clinical testing. Allele origin: germline.
Comment: This sequence change creates a premature translational stop signal (p.Tyr1210*) in the POLG gene. While this is not anticipated to result in nonsense mediated decay, it is expected to disrupt the last 30 amino acid(s) of the POLG protein. This variant is not present in population databases (gnomAD no frequency). This premature translational stop signal has been observed in individual(s) with autosomal recessive POLG-related conditions (PMID: 20691285, 30385167, 30423451). In at least one individual the data is consistent with being in trans (on the opposite chromosome) from a pathogenic variant. ClinVar contains an entry for this variant (Variation ID: 1357431). Algorithms developed to predict the effect of sequence changes on RNA splicing suggest that this variant may disrupt the consensus splice site. For these reasons, this variant has been classified as Pathogenic.

Baylor Genetics
Classification: Pathogenic for Progressive sclerosing poliodystrophy. Last evaluated: 2024-03-18. Review status: criteria provided, single submitter. Criteria: ACMG Guidelines, 2015. Collection method: clinical testing. Allele origin: unknown.

Literature cited by the submitters: PubMed 30509056 (cited by Myriad Genetics, Inc.); PubMed 20691285 (cited by Labcorp Genetics (formerly Invitae), Labcorp); PubMed 30385167 (cited by Labcorp Genetics (formerly Invitae), Labcorp); PubMed 30423451 (cited by Labcorp Genetics (formerly Invitae), Labcorp).